The following is an entry in ClinVar:

NM_001077418.3(TMEM231):c.232G>T (p.Asp78Tyr)

Gene: TMEM231 (transmembrane protein 231; minus strand). Cytogenetic location: 16q23.1.
Variant type: single nucleotide variant.
Coding change: c.232G>T on transcript NM_001077418.3 (MANE Select); coding-DNA position 232, G replaced by T.
Protein change: p.Asp78Tyr; replaces aspartic acid 78 with tyrosine.
Molecular consequence: missense variant. On other transcripts: non-coding transcript variant (1).
Genome position (GRCh38, 1-based): chr16:75,555,881, C>A on the plus strand (G>T on the coding strand, the complement: TMEM231 is on the minus strand). VCF-style: chr16-75555881-C-A. GRCh37 (hg19) VCF-style: chr16-75589779-C-A.
Other names: c.319G>T (NM_001077416.1); c.391G>T, p.Asp131Tyr (NM_001077416.2); short protein forms D131Y, D78Y.
Identifiers: ClinVar variation 523080 (VCV000523080.13), dbSNP rs753709447, ClinGen allele CA8176258.

ClinVar aggregate classification (germline): Uncertain significance. Review status: criteria provided, multiple submitters, no conflicts (2 of 4 stars). 5 submissions from 5 submitters: Uncertain significance (5). Last evaluated 2025-08-31.

Conditions:
Meckel syndrome, type 11 (MKS11). Identifiers: Orphanet 564, MedGen C3809352, MONDO:0014164, OMIM 615397.
Joubert syndrome 20 (JBTS20). Identifiers: Orphanet 475, MedGen C3554235, MONDO:0013994, OMIM 614970.
Joubert syndrome. Also called: Familial aplasia of the vermis; JOUBERT-BOLTSHAUSER SYNDROME. Identifiers: Orphanet 475, MedGen C5979921, MONDO:0018772.
Inborn genetic diseases. Identifiers: MedGen C0950123, MeSH D030342.

Allele frequency attached by ClinVar (database versions not stated): gnomAD 0.00001 and 0.00002; gnomAD exomes 0.00002; ExAC 0.00007.
gnomAD v4.1: 29 of 1,593,498 alleles (0.0018%); highest among the groups gnomAD compares: Middle Eastern, 0.033%; no homozygotes.

Submissions (5):

Ambry Genetics
Classification: Uncertain significance for Inborn genetic diseases. Last evaluated: 2025-08-31. Review status: criteria provided, single submitter. Criteria: Ambry Variant Classification Scheme 2023. Collection method: clinical testing. Allele origin: germline.

Blueprint Genetics
Classification: Uncertain significance. Last evaluated: 2024-10-16. Review status: criteria provided, single submitter. Criteria: ACMG Guidelines, 2015. Collection method: clinical testing. Allele origin: germline.

Labcorp Genetics (formerly Invitae), Labcorp
Classification: Uncertain significance for Joubert syndrome 20; Meckel syndrome, type 11. Last evaluated: 2022-08-15. Review status: criteria provided, single submitter. Criteria: Invitae Variant Classification Sherloc (09022015). Collection method: clinical testing. Allele origin: germline.
Comment: This sequence change replaces aspartic acid, which is acidic and polar, with tyrosine, which is neutral and polar, at codon 131 of the TMEM231 protein (p.Asp131Tyr). The frequency data for this variant in the population databases is considered unreliable, as metrics indicate poor data quality at this position in the gnomAD database. This variant has not been reported in the literature in individuals affected with TMEM231-related conditions. ClinVar contains an entry for this variant (Variation ID: 523080). Algorithms developed to predict the effect of missense changes on protein structure and function are either unavailable or do not agree on the potential impact of this missense change (SIFT: "Deleterious"; PolyPhen-2: "Not Available"; Align-GVGD: "Class C15"). In summary, the available evidence is currently insufficient to determine the role of this variant in disease. Therefore, it has been classified as a Variant of Uncertain Significance.

Genomic Research Center, Shahid Beheshti University of Medical Sciences
Classification: Uncertain significance for Joubert syndrome. Last evaluated: 2020-05-03. Review status: criteria provided, single submitter. Criteria: ACMG Guidelines, 2015. Collection method: clinical testing. Allele origin: unknown. Affected: yes.

Breakthrough Genomics
Classification: Uncertain significance. Review status: criteria provided, single submitter. Criteria: ACMG Guidelines, 2015. Collection method: not provided. Allele origin: germline. Inheritance: Autosomal recessive inheritance. Affected: yes.